The following is an entry in ClinVar:

ClinVar aggregate classification (germline): Uncertain significance. Review status: reviewed by expert panel (3 of 4 stars). 13 submissions from 13 submitters: Uncertain significance (1). 12 of the submissions do not count toward it. Last evaluated 2025-11-11.

Conditions:
ATM-related disorder. Also called: ATM-related disorders; ATM-related condition.
Hereditary cancer-predisposing syndrome. Also called: Neoplastic Syndromes, Hereditary; Hereditary neoplastic syndrome; Tumor predisposition; Hereditary Cancer Syndrome. Identifiers: Orphanet 140162, MedGen C0027672, MeSH D009386, MONDO:0015356.
ATM-related cancer predisposition. Also called: ATM-related cancer susceptibility. Identifiers: MedGen CN377759, MONDO:0700270.
Breast and/or ovarian cancer. Identifiers: MedGen CN221562.
Familial cancer of breast. Also called: hereditary breast carcinoma; Hereditary breast cancer; BREAST CANCER, FAMILIAL. Identifiers: Orphanet 227535, MedGen C0346153, MONDO:0016419, OMIM 114480. Disease mechanism: loss of function.
Ataxia-telangiectasia syndrome (AT). Also called: Ataxia telangiectasia (A-T); Cerebello-oculocutaneous telangiectasia; Immunodeficiency with ataxia telangiectasia; LOUIS-BAR SYNDROME; AT, COMPLEMENTATION GROUP C; ATAXIA-TELANGIECTASIA, FRESNO VARIANT. Identifiers: Orphanet 100, MedGen C0004135, MONDO:0008840, OMIM 208900.

Allele frequency attached by ClinVar (database versions not stated): gnomAD exomes below 0.00001.
gnomAD v4.1: 4 of 1,614,092 alleles (0.00025%); highest among the groups gnomAD compares: South Asian, 0.0011%; no homozygotes.

Submissions 1 to 6 of 13:

ClinGen Hereditary Breast, Ovarian and Pancreatic Cancer Variant Curation Expert Panel, ClinGen
Classification: Uncertain significance for ATM-related cancer predisposition. Last evaluated: 2025-11-11. Review status: reviewed by expert panel. Criteria: ClinGen HBOP ACMG Specifications ATM V1.4.0. Collection method: curation. Allele origin: germline. Inheritance: Autosomal dominant inheritance.
Comment: The c.6115G>A variant in ATM is a missense variant predicted to cause substitution of glutamic acid by lysine at amino acid 2039 (p.Glu2039Lys). This variant has been detected in at least two unrelated individuals with Ataxia-Telangiectasia (PMIDs: 22071889, 30549301). The filtering allele frequency (the upper threshold of the 95% CI of 3/1180004) of the c.6115G>A variant in ATM is 0.0000006800 for European (non-Finnish) chromosomes by gnomAD v4.1.0, which is lower than the HBOP VCEP threshold (≤0.00001) for PM2_Supporting, and therefore meets this criterion. ATM kinase activity assay in ATM-null lymphoblastoid cell line showed reduced ATM kinase activity on its downstream targets indicating that this variant impacts protein function (PMID: 19431188). The computational predictor REVEL gives a score of 0.572, which is neither above nor below the thresholds predicting a damaging or benign impact on ATM function. In summary, this variant meets the criteria to be classified as a variant of uncertain significance for autosomal dominant ATM-related cancer predisposition and autosomal recessive Ataxia-Telangiectasia based on the ACMG/AMP criteria applied, as specified by the HBOP VCEP. (PM3, PM2_Supporting, PS3_Supporting)

GeneDx
Classification: Likely pathogenic. Last evaluated: 2026-08-25. Review status: criteria provided, single submitter. Criteria: GeneDx Variant Classification Process June 2021. Collection method: clinical testing. Allele origin: germline. Not counted in ClinVar's aggregate classification.
Comment: Published functional studies demonstrate a damaging effect: reduced kinase activity compared to wild type (PMID: 19431188, 22071889, 40105422); Observed with a second ATM variant in patients with clinical features of ataxia-telangiectasia but it is not known whether the variants occurred on the same (in cis) or opposite (in trans) alleles (PMID: 22071889, 30549301); In silico analysis supports that this missense variant has a deleterious effect on protein structure/function; Not observed at significant frequency in large population cohorts (gnomAD); This variant is associated with the following publications: (PMID: 22071889, 19781682, 30549301, 33471991, 28975465, 19431188, 30303537, 35892882, 32295079, 26896183, 35893033, 33280026, 39669589, 38017116, 38313678, 23532176, 40105422, 36315919)

Labcorp Genetics (formerly Invitae), Labcorp
Classification: Pathogenic for Ataxia-telangiectasia syndrome. Last evaluated: 2026-02-01. Review status: criteria provided, single submitter. Criteria: Invitae Variant Classification Sherloc (09022015). Collection method: clinical testing. Allele origin: germline. Not counted in ClinVar's aggregate classification.
Comment: This sequence change replaces glutamic acid, which is acidic and polar, with lysine, which is basic and polar, at codon 2039 of the ATM protein (p.Glu2039Lys). This variant is present in population databases (no rsID available, gnomAD 0.003%). This missense change has been observed in individuals with ataxia-telangiectasia and/or breast cancer (PMID: 19781682, 22071889, 26896183, 30303537, 30549301; internal data). ClinVar contains an entry for this variant (Variation ID: 219787). Invitae Evidence Modeling of protein sequence and biophysical properties (such as structural, functional, and spatial information, amino acid conservation, physicochemical variation, residue mobility, and thermodynamic stability) indicates that this missense variant is not expected to disrupt ATM protein function with a negative predictive value of 95%. Experimental studies have shown that this missense change affects ATM function (PMID: 19431188, 22071889). For these reasons, this variant has been classified as Pathogenic.

Natera, Inc.
Classification: Likely pathogenic for Ataxia-telangiectasia. Last evaluated: 2025-04-15. Review status: criteria provided, single submitter. Criteria: Natera Variant Classification Schema (03/2026). Collection method: clinical testing. Allele origin: germline. Not counted in ClinVar's aggregate classification.
Comment: The c.6115G>A variant in ATM is a missense variant predicted to cause substitution of glutamic acid to lysine at amino acid 2039. This variant is rare in the general population with a frequency below the threshold expected for the associated phenotype(s). This variant has been observed in one or more individuals affected with the associated recessive disease, as either homozygous or compound heterozygous with a second variant (PMID: 27142713, 30549301). Functional studies show that this variant may disrupt protein function (PMID: 19431188). Computational prediction algorithms indicate this variant is likely to affect gene or protein function. Given the available evidence, this variant is classified as Likely Pathogenic.

Ambry Genetics
Classification: Likely pathogenic for Hereditary cancer-predisposing syndrome. Last evaluated: 2025-03-14. Review status: criteria provided, single submitter. Criteria: Ambry Variant Classification Scheme 2023. Collection method: clinical testing. Allele origin: germline. Not counted in ClinVar's aggregate classification.
Comment: The p.E2039K variant (also known as c.6115G>A), located in coding exon 41 of the ATM gene, results from a G to A substitution at nucleotide position 6115. The glutamic acid at codon 2039 is replaced by lysine, an amino acid with similar properties. This variant has been identified in multiple individuals diagnosed with breast cancer (Tavtigian S et al. Am J Hum Genet. 2009 Oct;85(4):427-46; Siraj AK et al. Hum Genet, 2017 11;136:1431-1444; Girard E et al. Int J Cancer, 2019 04;144:1962-1974; Dorling et al. N Engl J Med. 2021 02;384:428-439; BenAyed-Guerfali D et al. Genes (Basel), 2022 Jul;13:; Bu R et al. Sci Rep, 2023 Nov;13:20924; Boujemaa M et al. Front Genet, 2024 Jan;15:1327894). Additionally, this variant has been identified in individuals diagnosed with prostate cancer (Mondschein R et al. Cancers (Basel), 2022 Jul;14:). This variant has been identified in the homozygous state and likely in trans with other ATM variants in individuals diagnosed with ataxia telangiectasia (Jacquemin V et al. Eur J Hum Genet, 2012 Mar;20:305-12; Schon K et al. Ann Neurol, 2019 02;85:170-180). Additional investigation has demonstrated stable, normally-localized ATM protein, but reduced kinase activity associated with p.E2039K compared to wild type (Barone G et al. Hum. Mutat. 2009 Aug; 30(8):1222-30. Jacquemin V et al. Eur. J. Hum. Genet. 2012 Mar; 20(3):305-12). This variant is considered to be rare based on population cohorts in the Genome Aggregation Database (gnomAD). This amino acid position is highly conserved in available vertebrate species. In addition, the in silico prediction for this alteration is inconclusive. Based on the majority of available evidence to date, this variant is likely to be pathogenic.

Color Diagnostics, LLC DBA Color Health
Classification: Likely pathogenic for Hereditary cancer-predisposing syndrome. Last evaluated: 2024-02-07. Review status: criteria provided, single submitter. Criteria: ACMG Guidelines, 2015. Collection method: clinical testing. Allele origin: germline. Not counted in ClinVar's aggregate classification.
Comment: This missense variant replaces glutamic acid with lysine at codon 2039 of the ATM protein. Computational prediction is inconclusive regarding the impact of this variant on protein structure and function. Functional studies have reported that this variant does not affect protein expression but causes a reduction in kinase activity (PMID: 19431188). In a large international case-control study, this variant was reported in 2/60464 breast cancer cases and absent in 53461 controls (PMID: 33471991). This variant has been reported in additional individuals affected with breast cancer (PMID: 19781682, 28975465, 30303537, 35893033, 38017116) as well as in individuals affected with prostate cancer (PMID: 35892882). This variant has also been reported in an individual affected with variant ataxia-telangiectasia with a co-occurring pathogenic variant, c.8609_8610delAT (p.Asp2870GlufsTer10), in unknown phase (PMID: 26896183, 30549301). This variant was identified in a second individual affected with ataxia-telangiectasia with a co-occurring variant of uncertain significance, c.6491A4C (p.Glu2164Ala), in unknown phase (PMID: 22071889). This variant has been identified in 1/251392 chromosomes in the general population by the Genome Aggregation Database (gnomAD). Based on the available evidence, this variant is classified as Likely Pathogenic.

NM_000051.4(ATM):c.6115G>A (p.Glu2039Lys)

Genes: ATM (ATM serine/threonine kinase; plus strand), C11orf65 (chromosome 11 open reading frame 65; minus strand). Cytogenetic location: 11q22.3.
Variant type: single nucleotide variant.
Coding change: c.6115G>A on transcript NM_000051.4 (MANE Select); coding-DNA position 6115, G replaced by A.
Protein change: p.Glu2039Lys; replaces glutamic acid 2039 with lysine.
Molecular consequence: missense variant. On other transcripts: intron variant (2).
Genome position (GRCh38, 1-based): chr11:108,316,030, G>A. VCF-style: chr11-108316030-G-A. GRCh37 (hg19) VCF-style: chr11-108186757-G-A.
Other names: NM_000051.4(ATM):c.6115G>A; p.Glu2039Lys; c.6115G>A, p.Glu2039Lys (NM_001351834.2); c.641-6959C>T (NM_001330368.2); c.*39-6959C>T (NM_001351110.2); short protein forms E2039K.
Identifiers: ClinVar variation 219787 (VCV000219787.52), dbSNP rs864622251, ClinGen allele CA348515.